The following is an entry in ClinVar:

NM_001458.5(FLNC):c.7450G>A (p.Gly2484Ser)

Genes: FLNC-AS1 (FLNC antisense RNA 1; minus strand), FLNC (filamin C; plus strand). Cytogenetic location: 7q32.1.
Variant type: single nucleotide variant.
Coding change: c.7450G>A on transcript NM_001458.5 (MANE Select); coding-DNA position 7450, G replaced by A.
Protein change: p.Gly2484Ser; replaces glycine 2484 with serine.
Molecular consequence: missense variant.
Genome position (GRCh38, 1-based): chr7:128,856,810, G>A. VCF-style: chr7-128856810-G-A. GRCh37 (hg19) VCF-style: chr7-128496864-G-A.
Other names: c.7351G>A, p.Gly2451Ser (NM_001127487.2); short protein forms G2484S, G2451S.
Identifiers: ClinVar variation 472173 (VCV000472173.14), dbSNP rs778922568, ClinGen allele CA4476275.

ClinVar aggregate classification (germline): Uncertain significance. Review status: criteria provided, multiple submitters, no conflicts (2 of 4 stars). 4 submissions from 4 submitters: Uncertain significance (4). Last evaluated 2026-02-03.

Conditions:
Distal myopathy with posterior leg and anterior hand involvement. Also called: WILLIAMS DISTAL MYOPATHY. Identifiers: Orphanet 63273, MedGen C3279722, MONDO:0013550, OMIM 614065.
Myofibrillar myopathy 5. Also called: Filaminopathy (type); FILAMINOPATHY, AUTOSOMAL DOMINANT. Identifiers: Orphanet 171445, MedGen C1836050, MONDO:0012289, OMIM 609524.
Hypertrophic cardiomyopathy 26. Also called: Cardiomyopathy, familial hypertrophic, 26. Identifiers: Orphanet 75249, MedGen C4310749, MONDO:0014883, OMIM 617047.
Cardiovascular phenotype. Identifiers: MedGen CN230736.

Allele frequency attached by ClinVar (database versions not stated): ExAC 0.00002; gnomAD exomes 0.00003 and 0.00009; TOPMed 0.00003; gnomAD 0.00009 and 0.00010.

Submissions (4):

Labcorp Genetics (formerly Invitae), Labcorp
Classification: Uncertain significance for Distal myopathy with posterior leg and anterior hand involvement; Myofibrillar myopathy 5; Hypertrophic cardiomyopathy 26. Last evaluated: 2026-02-03. Review status: criteria provided, single submitter. Criteria: Invitae Variant Classification Sherloc (09022015). Collection method: clinical testing. Allele origin: germline.
Comment: This sequence change replaces glycine, which is neutral and non-polar, with serine, which is neutral and polar, at codon 2484 of the FLNC protein (p.Gly2484Ser). This variant is present in population databases (rs778922568, gnomAD 0.006%). This missense change has been observed in individual(s) with dilated cardiomyopathy and congenital heart defects (PMID: 32112656, 36286284). ClinVar contains an entry for this variant (Variation ID: 472173). Invitae Evidence Modeling of protein sequence and biophysical properties (such as structural, functional, and spatial information, amino acid conservation, physicochemical variation, residue mobility, and thermodynamic stability) indicates that this missense variant is not expected to disrupt FLNC protein function with a negative predictive value of 80%. In summary, the available evidence is currently insufficient to determine the role of this variant in disease. Therefore, it has been classified as a Variant of Uncertain Significance.

Ambry Genetics
Classification: Uncertain significance for Cardiovascular phenotype. Last evaluated: 2023-09-06. Review status: criteria provided, single submitter. Criteria: Ambry Variant Classification Scheme 2023. Collection method: clinical testing. Allele origin: germline.
Comment: The p.G2484S variant (also known as c.7450G>A), located in coding exon 45 of the FLNC gene, results from a G to A substitution at nucleotide position 7450. The glycine at codon 2484 is replaced by serine, an amino acid with similar properties. This alteration has been reported in association with dilated cardiomyopathy (DCM); however, clinical details were limited (Verdonschot JAJ et al. Hum Mutat, 2020 06;41:1091-1111; Bourfiss M et al. Circ Genom Precis Med, 2022 Dec;15:e003704). This alteration has also been reported in a subject with congenital heart disease (Baban A et al. J Cardiovasc Dev Dis, 2022 Sep;9:). This amino acid position is highly conserved in available vertebrate species. In addition, this alteration is predicted to be deleterious by in silico analysis. Since supporting evidence is limited at this time, the clinical significance of this alteration remains unclear.

Revvity Omics, Revvity
Classification: Uncertain significance. Last evaluated: 2022-12-16. Review status: criteria provided, single submitter. Criteria: ACMG Guidelines, 2015. Collection method: clinical testing. Allele origin: germline.

Fulgent Genetics
Classification: Uncertain significance for Myofibrillar myopathy 5; Distal myopathy with posterior leg and anterior hand involvement; Hypertrophic cardiomyopathy 26. Last evaluated: 2021-08-04. Review status: criteria provided, single submitter. Criteria: ACMG Guidelines, 2015. Collection method: clinical testing. Allele origin: unknown.

Literature cited by the submitters: PubMed 32112656 (cited by Labcorp Genetics (formerly Invitae), Labcorp and Ambry Genetics); PubMed 36286284 (cited by Labcorp Genetics (formerly Invitae), Labcorp and Ambry Genetics); PubMed 36264615 (cited by Ambry Genetics).